The following is an entry in ClinVar:

NM_005633.4(SOS1):c.848T>C (p.Phe283Ser)

Gene: SOS1 (SOS Ras/Rac guanine nucleotide exchange factor 1; minus strand). Cytogenetic location: 2p22.1.
Variant type: single nucleotide variant.
Coding change: c.848T>C on transcript NM_005633.4 (MANE Select); coding-DNA position 848, T replaced by C.
Protein change: p.Phe283Ser; replaces phenylalanine 283 with serine.
Molecular consequence: missense variant.
Genome position (GRCh38, 1-based): chr2:39,051,160, A>G on the plus strand (T>C on the coding strand, the complement: SOS1 is on the minus strand). VCF-style: chr2-39051160-A-G. GRCh37 (hg19) VCF-style: chr2-39278301-A-G.
Other names: c.827T>C, p.Phe276Ser (NM_001382394.1); c.848T>C, p.Phe283Ser (NM_001382395.1); short protein forms F283S, F276S.
Identifiers: ClinVar variation 829867 (VCV000829867.3), dbSNP rs1572855029, ClinGen allele CA346367578.

ClinVar aggregate classification (germline): Uncertain significance. Review status: criteria provided, single submitter (1 of 4 stars). 2 submissions from 2 submitters: Uncertain significance (1). 1 of the submissions does not count toward it. Last evaluated 2023-06-05.

Conditions:
Noonan syndrome 4 (NS4). Also called: SOS1-Related Noonan Syndrome; NOONAN SYNDROME WITH PIGMENTED VILLONODULAR SYNOVITIS. Identifiers: Orphanet 648, MedGen C1853120, MONDO:0012547, OMIM 610733.

Submissions (2):

Clinical Genomics Laboratory, Stanford Medicine
Classification: Uncertain significance for Noonan syndrome 4. Last evaluated: 2023-06-05. Review status: criteria provided, single submitter. Criteria: ACMG Guidelines, 2015. Collection method: clinical testing. Allele origin: germline. Observed: 1 variant allele, 1 heterozygote.
Comment: The p.Phe283Ser variant in the SOS1 gene has not been previously reported in association with disease. This variant was absent from large population databases, including the Genome Aggregation Database. This variant is present in ClinVar (Variation ID: 829867). The SOS1 gene has fewer missense variants in the general population than expected. A low rate of missense variation may suggest that this gene is intolerant to missense variation. The phenylalanine at position 283 is strongly evolutionarily conserved. Computational tools predict that the p.Phe283Ser variant is deleterious; however, the accuracy of in silico algorithms is limited. These data were assessed using the ACMG/AMP variant interpretation guidelines. In summary, the significance of the p.Phe283Ser variant is uncertain. Additional information is needed to resolve the significance of this variant. [ACMG evidence codes used: PM2; PP2; PP3]

Bioscientia Institut fuer Medizinische Diagnostik GmbH, Sonic Healthcare
Classification: Uncertain significance for Noonan syndrome 4. Last evaluated: 2019-06-25. Review status: no assertion criteria provided. Collection method: clinical testing. Allele origin: germline. Affected: yes. Not counted in ClinVar's aggregate classification.